The following is an entry in ClinVar:

NM_000202.8(IDS):c.275T>C (p.Leu92Pro)

Gene: IDS (iduronate 2-sulfatase; minus strand). Cytogenetic location: Xq28.
Variant type: single nucleotide variant.
Coding change: c.275T>C on transcript NM_000202.8 (MANE Select); coding-DNA position 275, T replaced by C.
Protein change: p.Leu92Pro; replaces leucine 92 with proline.
Molecular consequence: missense variant. On other transcripts: non-coding transcript variant (1), intron variant (1).
Genome position (GRCh38, 1-based): chrX:149,503,455, A>G on the plus strand (T>C on the coding strand, the complement: IDS is on the minus strand). VCF-style: chrX-149503455-A-G. GRCh37 (hg19) VCF-style: chrX-148584985-A-G.
Other names: c.275T>C, p.Leu92Pro (NM_006123.5); c.15-10T>C (NM_001166550.4); short protein forms L92P.
Identifiers: ClinVar variation 996562 (VCV000996562.3), dbSNP rs2089497300, ClinGen allele CA414526758.
Genomic context (GRCh38, chrX:149,503,455, plus strand): 5'-TGCACCCTCCAGTAGGAGTTGAAGTCGTACAGGCGGGTGGTGTCAGGTCTCCTGCCAGTG[A>G]GGAAAGAAACGCGGCTCGGGGCGCACACTGCTTGCTGTTAGGGAGCAGAAGCAGAGGTAA-3'
Protein context (NP_000193.1, residues 82-102): AVCAPSRVSF[Leu92Pro]TGRRPDTTRL

ClinVar aggregate classification (germline): Likely pathogenic. Review status: criteria provided, multiple submitters, no conflicts (2 of 4 stars). 2 submissions from 2 submitters: Likely pathogenic (2). Last evaluated 2024-06-07.

Conditions:
Mucopolysaccharidosis, MPS-II (MPS2). Also called: Mucopolysaccharidosis type 2; Hunter Syndrome; IDURONATE 2-SULFATASE DEFICIENCY; Mucopolysaccharidosis Type II; IDS deficiency; Sulfoiduronate sulfatase deficiency. Identifiers: Orphanet 580, Orphanet 79388, MedGen C0026705, MONDO:0010674, OMIM 309900.

Submissions (2):

Laboratory of Diagnosis and Therapy of Lysosomal Disorders, University of Padova
Classification: Likely pathogenic for Mucopolysaccharidosis, MPS-II. Last evaluated: 2024-06-07. Review status: criteria provided, single submitter. Criteria: ACMG Guidelines, 2015. Collection method: literature only. Allele origin: germline. Affected: yes. Observed: 1 variant allele.
Comment: Absent from controls (or at low frequency) in gnomAD database (PM2_Moderate), Missense variant in a gene with a low rate of benign missense variation (PP2_Supporting), Multiple lines of computational evidence support a deleterious effect (PP3_Supporting), Patient’s phenotype or family history highly specific for the disease (PP4_Strong)

Classification method: ACMG Guidelines [PMID:25741868] with modifications

Department of Medical Genetics, Sanjay Gandhi Post Graduate Institute of Medical Sciences
Classification: Likely pathogenic for Mucopolysaccharidosis, MPS-II. Review status: criteria provided, single submitter. Criteria: ACMG Guidelines, 2015. Collection method: clinical testing. Allele origin: germline. Inheritance: X-linked recessive inheritance. Affected: yes. Observed: 1 variant allele, 1 hemizygote.

Literature cited by the submitters: PubMed 7728156 (cited by Laboratory of Diagnosis and Therapy of Lysosomal Disorders, University of Padova); PubMed 1303211 (cited by Department of Medical Genetics, Sanjay Gandhi Post Graduate Institute of Medical Sciences).